The following is an entry in ClinVar:

NM_000051.4(ATM):c.8971T>C (p.Cys2991Arg)

Genes: ATM (ATM serine/threonine kinase; plus strand), C11orf65 (chromosome 11 open reading frame 65; minus strand). Cytogenetic location: 11q22.3.
Variant type: single nucleotide variant.
Coding change: c.8971T>C on transcript NM_000051.4 (MANE Select); coding-DNA position 8971, T replaced by C.
Protein change: p.Cys2991Arg; replaces cysteine 2991 with arginine.
Molecular consequence: missense variant. On other transcripts: intron variant (2).
Genome position (GRCh38, 1-based): chr11:108,365,202, T>C. VCF-style: chr11-108365202-T-C. GRCh37 (hg19) VCF-style: chr11-108235929-T-C.
Other names: c.8971T>C, p.Cys2991Arg (NM_001351834.2); c.640+20718A>G (NM_001330368.2); c.694+20718A>G (NM_001351110.2); short protein forms C2991R.
Identifiers: ClinVar variation 822860 (VCV000822860.12), dbSNP rs1591385376, ClinGen allele CA382530373.

ClinVar aggregate classification (germline): Uncertain significance. Review status: criteria provided, multiple submitters, no conflicts (2 of 4 stars). 2 submissions from 2 submitters: Uncertain significance (2). Last evaluated 2025-02-05.

Conditions:
Hereditary cancer-predisposing syndrome. Also called: Tumor predisposition; Neoplastic Syndromes, Hereditary; Hereditary Cancer Syndrome; Hereditary neoplastic syndrome. Identifiers: Orphanet 140162, MedGen C0027672, MeSH D009386, MONDO:0015356.
Ataxia-telangiectasia syndrome (AT). Also called: ATAXIA-TELANGIECTASIA, COMPLEMENTATION GROUP A; ATAXIA-TELANGIECTASIA, FRESNO VARIANT; Ataxia-telangiectasia; Ataxia-telangiectasia, complementation group D; AT, COMPLEMENTATION GROUP C; Ataxia-telangiectasia, complementation group E. Identifiers: Orphanet 100, MedGen C0004135, MONDO:0008840, OMIM 208900.

Submissions (2):

Labcorp Genetics (formerly Invitae), Labcorp
Classification: Uncertain significance for Ataxia-telangiectasia syndrome. Last evaluated: 2025-02-05. Review status: criteria provided, single submitter. Criteria: Invitae Variant Classification Sherloc (09022015). Collection method: clinical testing. Allele origin: germline.
Comment: This sequence change replaces cysteine, which is neutral and slightly polar, with arginine, which is basic and polar, at codon 2991 of the ATM protein (p.Cys2991Arg). This variant is not present in population databases (gnomAD no frequency). This variant has not been reported in the literature in individuals affected with ATM-related conditions. ClinVar contains an entry for this variant (Variation ID: 822860). Invitae Evidence Modeling of protein sequence and biophysical properties (such as structural, functional, and spatial information, amino acid conservation, physicochemical variation, residue mobility, and thermodynamic stability) indicates that this missense variant is not expected to disrupt ATM protein function with a negative predictive value of 95%. In summary, the available evidence is currently insufficient to determine the role of this variant in disease. Therefore, it has been classified as a Variant of Uncertain Significance.

Ambry Genetics
Classification: Uncertain significance for Hereditary cancer-predisposing syndrome. Last evaluated: 2018-06-29. Review status: criteria provided, single submitter. Criteria: Ambry Variant Classification Scheme 2023. Collection method: clinical testing. Allele origin: germline.
Comment: The p.C2991R variant (also known as c.8971T>C), located in coding exon 61 of the ATM gene, results from a T to C substitution at nucleotide position 8971. The cysteine at codon 2991 is replaced by arginine, an amino acid with highly dissimilar properties. This amino acid position is not well conserved in available vertebrate species. In addition, this alteration is predicted to be tolerated by in silico analysis. Since supporting evidence is limited at this time, the clinical significance of this alteration remains unclear.